The following is an entry in ClinVar:

NM_007078.3(LDB3):c.1649T>C (p.Leu550Pro)

Gene: LDB3 (LIM domain binding 3; plus strand). Cytogenetic location: 10q23.2.
Variant type: single nucleotide variant.
Coding change: c.1649T>C on transcript NM_007078.3 (MANE Select); coding-DNA position 1649, T replaced by C.
Protein change: p.Leu550Pro; replaces leucine 550 with proline.
Molecular consequence: missense variant.
Genome position (GRCh38, 1-based): chr10:86,716,744, T>C. VCF-style: chr10-86716744-T-C. GRCh37 (hg19) VCF-style: chr10-88476501-T-C.
Other names: c.1649T>C (LRG_385t1); c.1319T>C, p.Leu440Pro (NM_001080114.2); c.1664T>C, p.Leu555Pro (NM_001171610.2); c.1460T>C, p.Leu487Pro (NM_001368064.1, NM_001368065.1); c.1508T>C, p.Leu503Pro (NM_001368066.1); short protein forms L555P, L550P, L503P, L440P, L487P.
Identifiers: ClinVar variation 646726 (VCV000646726.10), dbSNP rs1589675409, ClinGen allele CA377451655.
Genomic context (GRCh38, chr10:86,716,744, plus strand): 5'-CACTTGCCAGGGGGACCGTCCAGAGGGCTGAGCGATTCCCAGCCAGCAGCCGGACTCCAC[T>C]CTGCGGTCACTGCAACAATGTCATCCGGTATGGTCCAGCTGTGCCCCTGCACTGGGGCAC-3'
Protein context (NP_009009.1, residues 540-560): ERFPASSRTP[Leu550Pro]CGHCNNVIRG

ClinVar aggregate classification (germline): Uncertain significance. Review status: criteria provided, multiple submitters, no conflicts (2 of 4 stars). 2 submissions from 2 submitters: Uncertain significance (2). Last evaluated 2025-08-03.

Conditions:
Cardiovascular phenotype. Identifiers: MedGen CN230736.
Myofibrillar myopathy 4. Also called: Zaspopathy (type). Identifiers: Orphanet 98912, MedGen C4721886, MONDO:0012277, OMIM 609452.

Submissions (2):

Ambry Genetics
Classification: Uncertain significance for Cardiovascular phenotype. Last evaluated: 2025-08-03. Review status: criteria provided, single submitter. Criteria: Ambry Variant Classification Scheme 2023. Collection method: clinical testing. Allele origin: germline.
Comment: The p.L550P variant (also known as c.1649T>C), located in coding exon 9 of the LDB3 gene, results from a T to C substitution at nucleotide position 1649. The leucine at codon 550 is replaced by proline, an amino acid with similar properties. This amino acid position is conserved. In addition, the in silico prediction for this alteration is inconclusive. Based on the available evidence, the clinical significance of this variant remains unclear.

Labcorp Genetics (formerly Invitae), Labcorp
Classification: Uncertain significance for Myofibrillar myopathy 4. Last evaluated: 2022-03-19. Review status: criteria provided, single submitter. Criteria: Invitae Variant Classification Sherloc (09022015). Collection method: clinical testing. Allele origin: germline.
Comment: Experimental studies and prediction algorithms are not available or were not evaluated, and the functional significance of this variant is currently unknown. This variant has not been reported in the literature in individuals affected with LDB3-related conditions. This variant is not present in population databases (gnomAD no frequency). This sequence change replaces leucine, which is neutral and non-polar, with proline, which is neutral and non-polar, at codon 550 of the LDB3 protein (p.Leu550Pro). The LDB3 gene has multiple clinically relevant transcripts. This variant occurs in alternate transcript NM_007078.2, and corresponds to NM_001080116.1:c.*17370T>C in the primary transcript. In summary, the available evidence is currently insufficient to determine the role of this variant in disease. Therefore, it has been classified as a Variant of Uncertain Significance.